The following is an entry in ClinVar:

ClinVar aggregate classification (germline): Conflicting classifications of pathogenicity. Review status: criteria provided, conflicting classifications (1 of 4 stars). 2 submissions from 2 submitters: Uncertain significance (1); Likely benign (1). Last evaluated 2026-09-10.

Conditions:
RNF213-related disorder. Also called: RNF213-related condition.

gnomAD v4.1: 129 of 1,614,062 alleles (0.008%); highest among the groups gnomAD compares: Non-Finnish European, 0.0096%; no homozygotes.

Submissions (2):

PreventionGenetics, part of Exact Sciences
Classification: Uncertain significance for RNF213-related condition. Last evaluated: 2026-09-10. Review status: criteria provided, single submitter. Criteria: ACMG Guidelines, 2015. Collection method: clinical testing. Allele origin: germline.
Comment: The RNF213 c.1732G>A variant is predicted to result in the amino acid substitution p.Asp578Asn. To our knowledge, this variant has not been reported in the literature. This variant is reported in 0.0070% of alleles in individuals of European (Non-Finnish) descent in gnomAD. At this time, the clinical significance of this variant is uncertain due to the absence of conclusive functional and genetic evidence.

Labcorp Genetics (formerly Invitae), Labcorp
Classification: Likely benign. Last evaluated: 2024-04-15. Review status: criteria provided, single submitter. Criteria: Invitae Variant Classification Sherloc (09022015). Collection method: clinical testing. Allele origin: germline.

NM_001256071.3(RNF213):c.1732G>A (p.Asp578Asn)

Gene: RNF213 (ring finger protein 213; plus strand). Cytogenetic location: 17q25.3.
Variant type: single nucleotide variant.
Coding change: c.1732G>A on transcript NM_001256071.3 (MANE Select); coding-DNA position 1732, G replaced by A.
Protein change: p.Asp578Asn; replaces aspartic acid 578 with asparagine.
Molecular consequence: missense variant.
Genome position (GRCh38, 1-based): chr17:80,294,980, G>A. VCF-style: chr17-80294980-G-A. GRCh37 (hg19) VCF-style: chr17-78268779-G-A.
Other names: c.1732G>A (NM_001256071.2); c.1879G>A, p.Asp627Asn (NM_001410195.1, NM_020914.5); c.1732G>A, p.Asp578Asn (NM_020954.4); short protein forms D578N, D627N.
Identifiers: ClinVar variation 3711487 (VCV003711487.3).